The following is an entry in ClinVar:

ClinVar aggregate classification (germline): Conflicting classifications of pathogenicity. Review status: criteria provided, conflicting classifications (1 of 4 stars). 4 submissions from 4 submitters: Pathogenic (1); Likely pathogenic (2); Uncertain significance (1). Last evaluated 2026-01-20.

Conditions:
Leber congenital amaurosis (LCA). Also called: Leber's amaurosis. Identifiers: Orphanet 65, MedGen C0339527, MeSH D057130, MONDO:0018998.
Leber congenital amaurosis 8 (LCA8). Identifiers: Orphanet 65, MedGen C3151202, MONDO:0013453, OMIM 613835.
Retinitis pigmentosa 12 (RP12). Also called: RP WITH OR WITHOUT PPRPE; RP WITH OR WITHOUT PRESERVED PARAARTERIOLE RETINAL PIGMENT EPITHELIUM; RETINITIS PIGMENTOSA WITH OR WITHOUT PARAARTERIOLAR PRESERVATION OF RETINAL PIGMENT EPITHELIUM. Identifiers: Orphanet 791, MedGen C1838647, MONDO:0010818, OMIM 600105.

Allele frequency attached by ClinVar (database versions not stated): gnomAD exomes 0.00001.
gnomAD v4.1: 6 of 1,613,852 alleles (0.00037%); highest among the groups gnomAD compares: South Asian, 0.0022%; no homozygotes.

Submissions (4):

Natera, Inc.
Classification: Likely pathogenic for Leber congenital amaurosis. Last evaluated: 2026-01-20. Review status: criteria provided, single submitter. Criteria: Natera Variant Classification Schema (03/2026). Collection method: clinical testing. Allele origin: germline.
Comment: The c.3914C>T variant in CRB1 is a missense variant predicted to cause substitution of proline to leucine at amino acid 1305. This variant is rare in the general population with a frequency below the threshold expected for the associated phenotype(s). This variant has been observed in one or more individuals affected with the associated recessive disease, as either homozygous or compound heterozygous with a second variant (PMID: 22128245, 33342761, 38466290). Computational prediction algorithms indicate this variant is likely to affect gene or protein function. Given the available evidence, this variant is classified as Likely Pathogenic.

Labcorp Genetics (formerly Invitae), Labcorp
Classification: Pathogenic for Leber congenital amaurosis 8; Retinitis pigmentosa 12. Last evaluated: 2023-12-02. Review status: criteria provided, single submitter. Criteria: Invitae Variant Classification Sherloc (09022015). Collection method: clinical testing. Allele origin: germline.
Comment: This sequence change replaces proline, which is neutral and non-polar, with leucine, which is neutral and non-polar, at codon 1305 of the CRB1 protein (p.Pro1305Leu). This variant is present in population databases (no rsID available, gnomAD 0.01%). This missense change has been observed in individuals with CRB1-related conditions (PMID: 22128245, 33342761; Invitae). ClinVar contains an entry for this variant (Variation ID: 2202916). Advanced modeling of protein sequence and biophysical properties (such as structural, functional, and spatial information, amino acid conservation, physicochemical variation, residue mobility, and thermodynamic stability) performed at Invitae indicates that this missense variant is expected to disrupt CRB1 protein function with a positive predictive value of 95%. This variant disrupts the p.Pro1305 amino acid residue in CRB1. Other variant(s) that disrupt this residue have been observed in individuals with CRB1-related conditions (PMID: 33090715), which suggests that this may be a clinically significant amino acid residue. For these reasons, this variant has been classified as Pathogenic.

Blueprint Genetics
Classification: Uncertain significance. Last evaluated: 2023-11-30. Review status: criteria provided, single submitter. Criteria: ACMG Guidelines, 2015. Collection method: clinical testing. Allele origin: germline.

Baylor Genetics
Classification: Likely pathogenic for Leber congenital amaurosis 8. Last evaluated: 2023-10-22. Review status: criteria provided, single submitter. Criteria: ACMG Guidelines, 2015. Collection method: clinical testing. Allele origin: unknown.

Literature cited by the submitters: PubMed 22128245 (cited by Natera, Inc. and Labcorp Genetics (formerly Invitae), Labcorp); PubMed 33342761 (cited by Natera, Inc. and Labcorp Genetics (formerly Invitae), Labcorp); PubMed 38466290 (cited by Natera, Inc.); PubMed 33090715 (cited by Labcorp Genetics (formerly Invitae), Labcorp).

NM_201253.3(CRB1):c.3914C>T (p.Pro1305Leu)

Gene: CRB1 (crumbs cell polarity complex component 1; plus strand). Cytogenetic location: 1q31.3.
Variant type: single nucleotide variant.
Coding change: c.3914C>T on transcript NM_201253.3 (MANE Select); coding-DNA position 3914, C replaced by T.
Protein change: p.Pro1305Leu; replaces proline 1305 with leucine.
Molecular consequence: missense variant. On other transcripts: non-coding transcript variant (2).
Genome position (GRCh38, 1-based): chr1:197,442,201, C>T. VCF-style: chr1-197442201-C-T. GRCh37 (hg19) VCF-style: chr1-197411331-C-T.
Other names: c.3578C>T, p.Pro1193Leu (NM_001193640.2); c.3842C>T, p.Pro1281Leu (NM_001257965.2); c.2306C>T, p.Pro769Leu (NM_001257966.2); c.3914C>T (NM_201253.2); short protein forms P1281L, P1193L, P1305L, P769L.
Identifiers: ClinVar variation 2202916 (VCV002202916.7), dbSNP rs1391910861, ClinGen allele CA344052517.
Genomic context (GRCh38, chr1:197,442,201, plus strand): 5'-TTCTGCTGTTCTGTTTATTTTGAAGGTGTGAAAAGGACATTGATGAGTGTGCCTCTGATC[C>T]GTGTGTCAATGGAGGTCTGTGCCAGGACTTACTCAACAAATTCCAGTGCCTCTGTGATGT-3'
Protein context (NP_957705.1, residues 1295-1315): EKDIDECASD[Pro1305Leu]CVNGGLCQDL